The following is an entry in ClinVar:

ClinVar aggregate classification (germline): Likely pathogenic (1 of 4 stars; one submission).

Submission:

Labcorp Genetics (formerly Invitae), Labcorp
Classification: Likely pathogenic. Last evaluated: 2021-02-11. Review status: criteria provided, single submitter. Criteria: Invitae Variant Classification Sherloc (09022015). Collection method: clinical testing. Allele origin: germline.
Comment: In summary, the currently available evidence indicates that the variant is pathogenic, but additional data are needed to prove that conclusively. Therefore, this variant has been classified as Likely Pathogenic. This variant has not been reported in the literature in individuals with GPR143-related conditions. This variant is not present in population databases (ExAC no frequency). This variant results in the deletion of part of exon 8 (c.886-115_970del) of the GPR143 gene. It is expected to disrupt RNA splicing. Variants that disrupt the donor or acceptor splice site typically lead to a loss of protein function (PMID: 16199547), and loss-of-function variants in GPR143 are known to be pathogenic (PMID: 15965158, 18978956, 19390656, 21541274, 26160353, 28211458).

Literature cited by the submitters: PubMed 16199547; PubMed 15965158; PubMed 18978956; PubMed 19390656; PubMed 21541274; PubMed 26160353; PubMed 28211458.

NM_000273.3(GPR143):c.886-115_970del

Gene: GPR143 (G protein-coupled receptor 143; minus strand). Cytogenetic location: Xp22.2.
Variant type: Deletion.
Coding change: c.886-115_970del on transcript NM_000273.3 (MANE Select); 115 bases into the intron before coding-DNA position 886 through coding-DNA position 970, 200 bases deleted.
Molecular consequence: splice acceptor variant.
Genome position (GRCh38, 1-based): chrX:9,739,635-9,739,834, 200 bases deleted. GRCh37 (hg19): chrX:9,707,678-9,707,877.
Identifiers: ClinVar variation 1479311 (VCV001479311.6), dbSNP rs2146684218, ClinGen allele CA2573159514.